The following is an entry in ClinVar:

ClinVar aggregate classification (germline): Pathogenic (1 of 4 stars; one submission).

Submission:

Labcorp Genetics (formerly Invitae), Labcorp
Classification: Pathogenic. Last evaluated: 2023-06-09. Review status: criteria provided, single submitter. Criteria: Invitae Variant Classification Sherloc (09022015). Collection method: clinical testing. Allele origin: germline.
Comment: For these reasons, this variant has been classified as Pathogenic. Algorithms developed to predict the effect of sequence changes on RNA splicing suggest that this variant may create or strengthen a splice site. This variant has not been reported in the literature in individuals affected with TSEN54-related conditions. This variant is not present in population databases (gnomAD no frequency). This sequence change creates a premature translational stop signal (p.Gly435Asnfs*5) in the TSEN54 gene. It is expected to result in an absent or disrupted protein product. Loss-of-function variants in TSEN54 are known to be pathogenic (PMID: 18711368, 20952379).

Literature cited by the submitters: PubMed 18711368; PubMed 20952379.

NM_207346.3(TSEN54):c.1286_1301dup (p.Asp434_Gly435insAsnThrProSerTer)

Gene: TSEN54 (tRNA splicing endonuclease subunit 54; plus strand). Cytogenetic location: 17q25.1.
Variant type: Duplication.
Coding change: c.1286_1301dup on transcript NM_207346.3 (MANE Select); coding-DNA positions 1286 to 1301, 16 bases duplicated (CAACACACCTTCCTGA).
Protein change: p.Asp434_Gly435insAsnThrProSerTer.
Molecular consequence: nonsense, inframe insertion.
Genome position (GRCh38, 1-based): chr17:75,523,308-75,523,323, CAACACACCTTCCTGA duplicated; duplicating any 16 consecutive bases within chr17:75,523,306-75,523,323 gives the same sequence; the c. name uses the placement nearest the transcript's 3' end. VCF-style (leftmost placement, unchanged base first): chr17-75523305-A-AGACAACACACCTTCCT. GRCh37 (hg19) VCF-style: chr17-73519386-A-AGACAACACACCTTCCT.
Identifiers: ClinVar variation 2878685 (VCV002878685.3), dbSNP rs2053450570, ClinGen allele CA986325101.